The following is an entry in ClinVar:

ClinVar aggregate classification (germline): Uncertain significance (1 of 4 stars; one submission).

Conditions:
Primary ciliary dyskinesia. Also called: Ciliary dyskinesia. Identifiers: Orphanet 244, MedGen C0008780, MONDO:0016575, HP:0012265.

gnomAD v4.1: 20 of 1,614,196 alleles (0.0012%); highest among the groups gnomAD compares: South Asian, 0.016%; no homozygotes.

Submission:

Ambry Genetics
Classification: Uncertain significance for Primary ciliary dyskinesia. Last evaluated: 2022-05-11. Review status: criteria provided, single submitter. Criteria: Ambry Variant Classification Scheme 2023. Collection method: clinical testing. Allele origin: germline.
Comment: The p.R111Q variant (also known as c.332G>A), located in coding exon 3 of the CCDC103 gene, results from a G to A substitution at nucleotide position 332. The arginine at codon 111 is replaced by glutamine, an amino acid with highly similar properties. This amino acid position is conserved. In addition, this alteration is predicted to be tolerated by in silico analysis. Since supporting evidence is limited at this time, the clinical significance of this alteration remains unclear.

NM_213607.3(DNAAF19):c.332G>A (p.Arg111Gln)

Gene: DNAAF19 (dynein axonemal assembly factor 19; plus strand). Cytogenetic location: 17q21.31.
Variant type: single nucleotide variant.
Coding change: c.332G>A on transcript NM_213607.3 (MANE Select); coding-DNA position 332, G replaced by A.
Protein change: p.Arg111Gln; replaces arginine 111 with glutamine.
Molecular consequence: missense variant. On other transcripts: 3 prime UTR variant (3).
Genome position (GRCh38, 1-based): chr17:44,902,420, G>A. VCF-style: chr17-44902420-G-A. GRCh37 (hg19) VCF-style: chr17-42979788-G-A.
Other names: c.332G>A, p.Arg111Gln (NM_001258395.2, NM_001258396.2); c.*82G>A (NM_001258397.3); c.*21G>A (NM_001258398.3, NM_001258399.2); short protein forms R111Q.
Identifiers: ClinVar variation 1730294 (VCV001730294.2), dbSNP rs367570529, ClinGen allele CA8608354.